The following is an entry in ClinVar:

NC_000003.12:g.169764831G>A

Genes: TERC (telomerase RNA component; minus strand), LOC110806306 (telomerase RNA component (TERC) promoter; plus strand). Cytogenetic location: 3q26.2.
Variant type: single nucleotide variant.
Genome position: GRCh38 VCF-style: chr3-169764831-G-A. GRCh37 (hg19) VCF-style: chr3-169482619-G-A.
Identifiers: ClinVar variation 941615 (VCV000941615.10), dbSNP rs893587661, ClinGen allele CA87624060.

ClinVar aggregate classification (germline): Uncertain significance (1 of 4 stars; one submission).

Conditions:
Dyskeratosis congenita, autosomal dominant 1 (DKCA1). Also called: Dyskeratosis congenita Scoggins type. Identifiers: Orphanet 1775, MedGen C4551974, MONDO:0007485, OMIM 127550. Inheritance: Variable.

Allele frequency attached by ClinVar (database versions not stated): TOPMed below 0.00001; gnomAD exomes 0.00001.
gnomAD v4.1: 4 of 729,648 alleles (0.00055%); highest among the groups gnomAD compares: Non-Finnish European, 0.001%; no homozygotes.

Submission:

Labcorp Genetics (formerly Invitae), Labcorp
Classification: Uncertain significance for Dyskeratosis congenita, autosomal dominant 1. Last evaluated: 2024-12-09. Review status: criteria provided, single submitter. Criteria: Invitae Variant Classification Sherloc (09022015). Collection method: clinical testing. Allele origin: germline.
Comment: This variant occurs in the TERC gene, which encodes an RNA molecule that does not result in a protein product. This variant is not present in population databases (gnomAD no frequency). This variant has not been reported in the literature in individuals affected with TERC-related conditions. ClinVar contains an entry for this variant (Variation ID: 941615). Experimental studies and prediction algorithms are not available or were not evaluated, and the functional significance of this variant is currently unknown. This variant is located within the BoxH/ACA scaRNA domain of the TERC RNA component, which is required for telomerase activity (PMID: 21844345). In summary, the available evidence is currently insufficient to determine the role of this variant in disease. Therefore, it has been classified as a Variant of Uncertain Significance.

Literature cited by the submitters: PubMed 21844345.